The following is an entry in ClinVar:

ClinVar aggregate classification (germline): Likely benign. Review status: criteria provided, multiple submitters, no conflicts (2 of 4 stars). 2 submissions from 2 submitters: Likely benign (2). Last evaluated 2023-11-23.

Allele frequency attached by ClinVar (database versions not stated): TOPMed 0.00014.
gnomAD v4.1: 60 of 1,614,000 alleles (0.0037%); highest among the groups gnomAD compares: Admixed American, 0.098%; no homozygotes.

Submissions (2):

Labcorp Genetics (formerly Invitae), Labcorp
Classification: Likely benign. Last evaluated: 2023-11-23. Review status: criteria provided, single submitter. Criteria: Invitae Variant Classification Sherloc (09022015). Collection method: clinical testing. Allele origin: germline.

GeneDx
Classification: Likely benign. Last evaluated: 2018-02-06. Review status: criteria provided, single submitter. Criteria: GeneDx Variant Classification (06012015). Collection method: clinical testing. Allele origin: germline. Affected: yes.
Comment: This variant is considered likely benign or benign based on one or more of the following criteria: it is a conservative change, it occurs at a poorly conserved position in the protein, it is predicted to be benign by multiple in silico algorithms, and/or has population frequency not consistent with disease.

NM_001038603.3(MARVELD2):c.156A>G (p.Pro52=)

Gene: MARVELD2 (MARVEL domain containing 2; plus strand). Cytogenetic location: 5q13.2.
Variant type: single nucleotide variant.
Coding change: c.156A>G on transcript NM_001038603.3 (MANE Select); coding-DNA position 156, A replaced by G.
Protein change: p.Pro52=; no amino-acid change (proline 52 retained).
Molecular consequence: synonymous variant.
Genome position (GRCh38, 1-based): chr5:69,419,541, A>G. VCF-style: chr5-69419541-A-G. GRCh37 (hg19) VCF-style: chr5-68715368-A-G.
Other names: c.156A>G, p.Pro52= (NM_001244734.2).
Identifiers: ClinVar variation 515160 (VCV000515160.4), dbSNP rs138816138, ClinGen allele CA3293985.